The following is an entry in ClinVar:

ClinVar aggregate classification (germline): Conflicting classifications of pathogenicity. Review status: criteria provided, conflicting classifications (1 of 4 stars). 2 submissions from 2 submitters: Likely pathogenic (1); Uncertain significance (1). Last evaluated 2024-08-23.

Conditions:
Abnormal brain morphology. Also called: Abnormality of brain morphology. Identifiers: MedGen C4021085, HP:0012443.

Allele frequency attached by ClinVar (database versions not stated): ExAC 0.00002; TOPMed 0.00003.
gnomAD v4.1: 38 of 1,611,688 alleles (0.0024%); highest among the groups gnomAD compares: African/African-American, 0.011%; no homozygotes.

Submissions (2):

Labcorp Genetics (formerly Invitae), Labcorp
Classification: Uncertain significance. Last evaluated: 2024-08-23. Review status: criteria provided, single submitter. Criteria: Invitae Variant Classification Sherloc (09022015). Collection method: clinical testing. Allele origin: germline.
Comment: This sequence change replaces valine, which is neutral and non-polar, with isoleucine, which is neutral and non-polar, at codon 471 of the DSCAML1 protein (p.Val471Ile). This variant is present in population databases (rs759222737, gnomAD 0.007%). This missense change has been observed in individual(s) with motor neuron disease (PMID: 26539891). ClinVar contains an entry for this variant (Variation ID: 402156). An algorithm developed to predict the effect of missense changes on protein structure and function outputs the following: PolyPhen-2: "Benign". The isoleucine amino acid residue is found in multiple mammalian species, which suggests that this missense change does not adversely affect protein function. In summary, the available evidence is currently insufficient to determine the role of this variant in disease. Therefore, it has been classified as a Variant of Uncertain Significance.

Lupski Lab, Baylor-Hopkins CMG, Baylor College of Medicine
Classification: Likely pathogenic for Abnormal brain morphology. Review status: criteria provided, single submitter. Criteria: Karaca et al. (Neuron 2015). Collection method: research. Allele origin: inherited. Inheritance: Autosomal recessive inheritance. Affected: yes.

Literature cited by the submitters: PubMed 26539891 (cited by Labcorp Genetics (formerly Invitae), Labcorp).

NM_020693.4(DSCAML1):c.1231G>A (p.Val411Ile)

Gene: DSCAML1 (DS cell adhesion molecule like 1; minus strand). Cytogenetic location: 11q23.3.
Variant type: single nucleotide variant.
Coding change: c.1231G>A on transcript NM_020693.4 (MANE Select); coding-DNA position 1231, G replaced by A.
Protein change: p.Val411Ile; replaces valine 411 with isoleucine.
Molecular consequence: missense variant.
Genome position (GRCh38, 1-based): chr11:117,518,745, C>T on the plus strand (G>A on the coding strand, the complement: DSCAML1 is on the minus strand). VCF-style: chr11-117518745-C-T. GRCh37 (hg19) VCF-style: chr11-117389460-C-T.
Other names: c.1231G>A, p.Val411Ile (NM_001367904.1); c.823G>A, p.Val275Ile (NM_001367905.1); short protein forms V275I, V411I.
Identifiers: ClinVar variation 402156 (VCV000402156.6), dbSNP rs759222737, ClinGen allele CA6297318.